The following is an entry in ClinVar:

ClinVar aggregate classification (germline): Conflicting classifications of pathogenicity. Review status: criteria provided, conflicting classifications (1 of 4 stars). 2 submissions from 2 submitters: Uncertain significance (1); Likely benign (1). Last evaluated 2026-03-29.

Conditions:
Cardiovascular phenotype. Identifiers: MedGen CN230736.

Allele frequency attached by ClinVar (database versions not stated): TOPMed 0.00002; ExAC 0.00003; gnomAD 0.00003; gnomAD exomes 0.00006 and 0.00003.
gnomAD v4.1: 20 of 1,614,030 alleles (0.0012%); highest among the groups gnomAD compares: Admixed American, 0.033%; no homozygotes.

Submissions (2):

Ambry Genetics
Classification: Uncertain significance for Cardiovascular phenotype. Last evaluated: 2026-03-29. Review status: criteria provided, single submitter. Criteria: Ambry Variant Classification Scheme 2023. Collection method: clinical testing. Allele origin: germline.
Comment: The p.L1176V variant (also known as c.3526C>G), located in coding exon 23 of the ABCA1 gene, results from a C to G substitution at nucleotide position 3526. The leucine at codon 1176 is replaced by valine, an amino acid with highly similar properties. This amino acid position is conserved. In addition, this alteration is predicted to be tolerated by in silico analysis. Based on the available evidence, the clinical significance of this variant remains unclear.

Labcorp Genetics (formerly Invitae), Labcorp
Classification: Likely benign. Last evaluated: 2023-10-22. Review status: criteria provided, single submitter. Criteria: Invitae Variant Classification Sherloc (09022015). Collection method: clinical testing. Allele origin: germline.

NM_005502.4(ABCA1):c.3526C>G (p.Leu1176Val)

Gene: ABCA1 (ATP binding cassette subfamily A member 1; minus strand). Cytogenetic location: 9q31.1.
Variant type: single nucleotide variant.
Coding change: c.3526C>G on transcript NM_005502.4 (MANE Select); coding-DNA position 3526, C replaced by G.
Protein change: p.Leu1176Val; replaces leucine 1176 with valine.
Molecular consequence: missense variant.
Genome position (GRCh38, 1-based): chr9:104,817,341, G>C on the plus strand (C>G on the coding strand, the complement: ABCA1 is on the minus strand). VCF-style: chr9-104817341-G-C. GRCh37 (hg19) VCF-style: chr9-107579622-G-C.
Other names: c.3526C>G (NM_005502.3); short protein forms L1176V.
Identifiers: ClinVar variation 1476676 (VCV001476676.7), dbSNP rs771515027, ClinGen allele CA5168414.